The following is an entry in ClinVar:

NM_182916.3(TRNT1):c.608+6A>G

Gene: TRNT1 (tRNA nucleotidyl transferase 1; plus strand). Cytogenetic location: 3p26.2.
Variant type: single nucleotide variant.
Coding change: c.608+6A>G on transcript NM_182916.3 (MANE Select); 6 bases into the intron after coding-DNA position 608, A replaced by G.
Molecular consequence: intron variant.
Genome position (GRCh38, 1-based): chr3:3,144,716, A>G. VCF-style: chr3-3144716-A-G. GRCh37 (hg19) VCF-style: chr3-3186400-A-G.
Other names: c.608+6A>G (NM_001367321.1, NM_001367323.1, NM_001367322.1 and 1 more transcripts).
Identifiers: ClinVar variation 1345925 (VCV001345925.6), dbSNP rs747803738, ClinGen allele CA2228723.

ClinVar aggregate classification (germline): Uncertain significance (1 of 4 stars; one submission).

Conditions:
Congenital sideroblastic anemia-B-cell immunodeficiency-periodic fever-developmental delay syndrome. Also called: Sideroblastic anemia with B-cell immunodeficiency, periodic fevers, and developmental delay. Identifiers: Orphanet 369861, MedGen C4015172, MONDO:0014487, OMIM 616084.

Allele frequency attached by ClinVar (database versions not stated): gnomAD exomes below 0.00001; ExAC 0.00001.
gnomAD v4.1: 1 of 1,518,986 alleles (0.000066%); highest among the groups gnomAD compares: East Asian, 0.0023%; no homozygotes.

Submission:

Labcorp Genetics (formerly Invitae), Labcorp
Classification: Uncertain significance for Congenital sideroblastic anemia-B-cell immunodeficiency-periodic fever-developmental delay syndrome. Last evaluated: 2021-04-16. Review status: criteria provided, single submitter. Criteria: Invitae Variant Classification Sherloc (09022015). Collection method: clinical testing. Allele origin: germline.
Comment: In summary, the available evidence is currently insufficient to determine the role of this variant in disease. Therefore, it has been classified as a Variant of Uncertain Significance. Nucleotide substitutions within the consensus splice site are a relatively common cause of aberrant splicing (PMID: 17576681, 9536098). Algorithms developed to predict the effect of sequence changes on RNA splicing suggest that this variant is not likely to affect RNA splicing, but this prediction has not been confirmed by published transcriptional studies. This variant has not been reported in the literature in individuals with TRNT1-related conditions. This variant is present in population databases (rs747803738, ExAC 0.01%). This sequence change falls in intron 5 of the TRNT1 gene. It does not directly change the encoded amino acid sequence of the TRNT1 protein. It affects a nucleotide within the consensus splice site of the intron.

Literature cited by the submitters: PubMed 17576681; PubMed 9536098.